The following is an entry in ClinVar:

ClinVar aggregate classification (germline): Uncertain significance (1 of 4 stars; one submission).

gnomAD v4.1: 7 of 1,613,722 alleles (0.00043%); highest among the groups gnomAD compares: East Asian, 0.0022%; no homozygotes.

Submission:

Labcorp Genetics (formerly Invitae), Labcorp
Classification: Uncertain significance. Last evaluated: 2022-06-09. Review status: criteria provided, single submitter. Criteria: Invitae Variant Classification Sherloc (09022015). Collection method: clinical testing. Allele origin: germline.
Comment: This sequence change replaces arginine, which is basic and polar, with leucine, which is neutral and non-polar, at codon 54 of the PNLIP protein (p.Arg54Leu). This variant is present in population databases (rs753381451, gnomAD 0.0009%). This variant has not been reported in the literature in individuals affected with PNLIP-related conditions. Algorithms developed to predict the effect of missense changes on protein structure and function are either unavailable or do not agree on the potential impact of this missense change (SIFT: "Not Available"; PolyPhen-2: "Benign"; Align-GVGD: "Not Available"). In summary, the available evidence is currently insufficient to determine the role of this variant in disease. Therefore, it has been classified as a Variant of Uncertain Significance.

NM_000936.4(PNLIP):c.161G>T (p.Arg54Leu)

Gene: PNLIP (pancreatic lipase; plus strand). Cytogenetic location: 10q25.3.
Variant type: single nucleotide variant.
Coding change: c.161G>T on transcript NM_000936.4 (MANE Select); coding-DNA position 161, G replaced by T.
Protein change: p.Arg54Leu; replaces arginine 54 with leucine.
Molecular consequence: missense variant.
Genome position (GRCh38, 1-based): chr10:116,547,408, G>T. VCF-style: chr10-116547408-G-T. GRCh37 (hg19) VCF-style: chr10-118306920-G-T.
Other names: short protein forms R54L.
Identifiers: ClinVar variation 2095244 (VCV002095244.1), dbSNP rs753381451, ClinGen allele CA5706360.